The following is an entry in ClinVar:

NM_005592.4(MUSK):c.557G>C (p.Gly186Ala)

Gene: MUSK (muscle associated receptor tyrosine kinase; plus strand). Cytogenetic location: 9q31.3.
Variant type: single nucleotide variant.
Coding change: c.557G>C on transcript NM_005592.4 (MANE Select); coding-DNA position 557, G replaced by C.
Protein change: p.Gly186Ala; replaces glycine 186 with alanine.
Molecular consequence: missense variant.
Genome position (GRCh38, 1-based): chr9:110,697,395, G>C. VCF-style: chr9-110697395-G-C. GRCh37 (hg19) VCF-style: chr9-113459675-G-C.
Other names: c.557G>C, p.Gly186Ala (NM_001166280.2, NM_001166281.2); short protein forms G186A.
Identifiers: ClinVar variation 432807 (VCV000432807.13), dbSNP rs373304727, ClinGen allele CA5184047.
Genomic context (GRCh38, chr9:110,697,395, plus strand): 5'-GAATTGCAGTTCTTGAATCTGGGAGCTTGAGGATTCATAACGTACAAAAGGAAGATGCAG[G>C]ACAGTATCGATGTGTGGCAAAAAACAGCCTCGGGACAGCATATTCCAAAGTGGTGAAGCT-3'
Protein context (NP_005583.1, residues 176-196): RIHNVQKEDA[Gly186Ala]QYRCVAKNSL

ClinVar aggregate classification (germline): Uncertain significance. Review status: criteria provided, multiple submitters, no conflicts (2 of 4 stars). 4 submissions from 4 submitters: Uncertain significance (4). Last evaluated 2025-09-16.

Conditions:
Congenital myasthenic syndrome 9. Also called: Myasthenic syndrome, congenital, 9, associated with acetylcholine receptor deficiency. Identifiers: Orphanet 590, MedGen C4225368, MONDO:0014587, OMIM 616325.
Fetal akinesia deformation sequence 1 (FADS1). Also called: Pena-Shokeir syndrome type I; Fetal akinesia sequence. Identifiers: Orphanet 994, MedGen C1276035, MONDO:0100101, OMIM 208150, HP:0001989.
Inborn genetic diseases. Identifiers: MedGen C0950123, MeSH D030342.

Allele frequency attached by ClinVar (database versions not stated): gnomAD 0.00001; TOPMed 0.00003; gnomAD exomes 0.00004 and 0.00006; ExAC 0.00007; ESP Exome Variant Server 0.00016.
gnomAD v4.1: 86 of 1,612,906 alleles (0.0053%); highest among the groups gnomAD compares: Admixed American, 0.0083%; no homozygotes.

Submissions (4):

GeneDx
Classification: Uncertain significance. Last evaluated: 2025-09-16. Review status: criteria provided, single submitter. Criteria: GeneDx Variant Classification Process June 2021. Collection method: clinical testing. Allele origin: germline. Affected: yes.
Comment: In silico analysis supports that this missense variant has a deleterious effect on protein structure/function; Not observed at significant frequency in large population cohorts (gnomAD); Has not been previously published as pathogenic or benign to our knowledge; This variant is associated with the following publications: (PMID: 25537362)

Ambry Genetics
Classification: Uncertain significance for Inborn genetic diseases. Last evaluated: 2025-08-21. Review status: criteria provided, single submitter. Criteria: Ambry Variant Classification Scheme 2023. Collection method: clinical testing. Allele origin: germline.

Labcorp Genetics (formerly Invitae), Labcorp
Classification: Uncertain significance for Congenital myasthenic syndrome 9; Fetal akinesia deformation sequence 1. Last evaluated: 2024-08-23. Review status: criteria provided, single submitter. Criteria: Invitae Variant Classification Sherloc (09022015). Collection method: clinical testing. Allele origin: germline.
Comment: This sequence change replaces glycine, which is neutral and non-polar, with alanine, which is neutral and non-polar, at codon 186 of the MUSK protein (p.Gly186Ala). This variant is present in population databases (rs373304727, gnomAD 0.009%). This variant has not been reported in the literature in individuals affected with MUSK-related conditions. ClinVar contains an entry for this variant (Variation ID: 432807). Invitae Evidence Modeling of protein sequence and biophysical properties (such as structural, functional, and spatial information, amino acid conservation, physicochemical variation, residue mobility, and thermodynamic stability) indicates that this missense variant is expected to disrupt MUSK protein function with a positive predictive value of 80%. In summary, the available evidence is currently insufficient to determine the role of this variant in disease. Therefore, it has been classified as a Variant of Uncertain Significance.

Revvity Omics, Revvity
Classification: Uncertain significance. Last evaluated: 2024-07-11. Review status: criteria provided, single submitter. Criteria: ACMG Guidelines, 2015. Collection method: clinical testing. Allele origin: germline.